The following is an entry in ClinVar:

ClinVar aggregate classification (germline): Uncertain significance (1 of 4 stars; one submission).

Conditions:
MHC class II deficiency. Also called: Bare lymphocyte syndrome 2; BLS, TYPE II. Identifiers: Orphanet 572, MedGen C5447452, MONDO:0008855.

Allele frequency attached by ClinVar (database versions not stated): ExAC 0.00003.
gnomAD v4.1: 25 of 1,614,232 alleles (0.0015%); highest among the groups gnomAD compares: Non-Finnish European, 0.0021%; no homozygotes.

Submission:

Labcorp Genetics (formerly Invitae), Labcorp
Classification: Uncertain significance for MHC class II deficiency. Last evaluated: 2022-06-26. Review status: criteria provided, single submitter. Criteria: Invitae Variant Classification Sherloc (09022015). Collection method: clinical testing. Allele origin: germline.
Comment: This sequence change replaces leucine, which is neutral and non-polar, with phenylalanine, which is neutral and non-polar, at codon 240 of the CIITA protein (p.Leu240Phe). This variant is present in population databases (rs770360091, gnomAD 0.004%). This variant has not been reported in the literature in individuals affected with CIITA-related conditions. Algorithms developed to predict the effect of missense changes on protein structure and function output the following: SIFT: "Tolerated"; PolyPhen-2: "Benign"; Align-GVGD: "Class C0". The phenylalanine amino acid residue is found in multiple mammalian species, which suggests that this missense change does not adversely affect protein function. In summary, the available evidence is currently insufficient to determine the role of this variant in disease. Therefore, it has been classified as a Variant of Uncertain Significance.

NM_000246.4(CIITA):c.718C>T (p.Leu240Phe)

Gene: CIITA (class II major histocompatibility complex transactivator; plus strand). Cytogenetic location: 16p13.13.
Variant type: single nucleotide variant.
Coding change: c.718C>T on transcript NM_000246.4 (MANE Select); coding-DNA position 718, C replaced by T.
Protein change: p.Leu240Phe; replaces leucine 240 with phenylalanine.
Molecular consequence: missense variant. On other transcripts: non-coding transcript variant (1).
Genome position (GRCh38, 1-based): chr16:10,902,747, C>T. VCF-style: chr16-10902747-C-T. GRCh37 (hg19) VCF-style: chr16-10996604-C-T.
Other names: c.721C>T, p.Leu241Phe (NM_001286402.1, NM_001379332.1); c.571C>T, p.Leu191Phe (NM_001286403.2, NM_001379331.1); c.574C>T, p.Leu192Phe (NM_001379330.1); c.718C>T, p.Leu240Phe (NM_001379333.1); c.649C>T, p.Leu217Phe (NM_001379334.1); short protein forms L192F, L217F, L240F, L191F, L241F.
Identifiers: ClinVar variation 2158426 (VCV002158426.1), dbSNP rs770360091, ClinGen allele CA7899874.